The following is an entry in ClinVar:

ClinVar aggregate classification (germline): Uncertain significance. Review status: criteria provided, multiple submitters, no conflicts (2 of 4 stars). 3 submissions from 3 submitters: Uncertain significance (3). Last evaluated 2025-08-13.

Conditions:
Fanconi renotubular syndrome 2 (FRTS2). Identifiers: MedGen C3150652, MONDO:0013247, OMIM 613388.
Hypophosphatemic nephrolithiasis/osteoporosis 1. Identifiers: Orphanet 244305, MedGen C2676786, MONDO:0012850, OMIM 612286.
Hypercalcemia, infantile, 2 (HCINF2). Identifiers: Orphanet 300547, MedGen C4310473, MONDO:0014851, OMIM 616963.
Inborn genetic diseases. Identifiers: MedGen C0950123, MeSH D030342.

Allele frequency attached by ClinVar (database versions not stated): gnomAD exomes 0.00001; ExAC 0.00003; ESP Exome Variant Server 0.00008; gnomAD 0.00010; TOPMed 0.00012; 1000 Genomes Project 0.00020; 1000 Genomes Project 30x 0.00031.

Submissions (3):

Ambry Genetics
Classification: Uncertain significance for Inborn genetic diseases. Last evaluated: 2025-08-13. Review status: criteria provided, single submitter. Criteria: Ambry Variant Classification Scheme 2023. Collection method: clinical testing. Allele origin: germline.

Labcorp Genetics (formerly Invitae), Labcorp
Classification: Uncertain significance. Last evaluated: 2024-11-27. Review status: criteria provided, single submitter. Criteria: Invitae Variant Classification Sherloc (09022015). Collection method: clinical testing. Allele origin: germline.
Comment: This sequence change replaces alanine, which is neutral and non-polar, with threonine, which is neutral and polar, at codon 410 of the SLC34A1 protein (p.Ala410Thr). This variant is present in population databases (rs200378582, gnomAD 0.009%). This variant has not been reported in the literature in individuals affected with SLC34A1-related conditions. ClinVar contains an entry for this variant (Variation ID: 2081946). Invitae Evidence Modeling of protein sequence and biophysical properties (such as structural, functional, and spatial information, amino acid conservation, physicochemical variation, residue mobility, and thermodynamic stability) indicates that this missense variant is not expected to disrupt SLC34A1 protein function with a negative predictive value of 80%. In summary, the available evidence is currently insufficient to determine the role of this variant in disease. Therefore, it has been classified as a Variant of Uncertain Significance.

Fulgent Genetics
Classification: Uncertain significance for Hypophosphatemic nephrolithiasis/osteoporosis 1; Fanconi renotubular syndrome 2; Hypercalcemia, infantile, 2. Last evaluated: 2024-04-20. Review status: criteria provided, single submitter. Criteria: ACMG Guidelines, 2015. Collection method: clinical testing. Allele origin: germline.

NM_003052.5(SLC34A1):c.1228G>A (p.Ala410Thr)

Gene: SLC34A1 (solute carrier family 34 member 1; plus strand). Cytogenetic location: 5q35.3.
Variant type: single nucleotide variant.
Coding change: c.1228G>A on transcript NM_003052.5 (MANE Select); coding-DNA position 1228, G replaced by A.
Protein change: p.Ala410Thr; replaces alanine 410 with threonine.
Molecular consequence: missense variant.
Genome position (GRCh38, 1-based): chr5:177,396,786, G>A. VCF-style: chr5-177396786-G-A. GRCh37 (hg19) VCF-style: chr5-176823787-G-A.
Other names: c.1228G>A (NM_003052.4); short protein forms A410T.
Identifiers: ClinVar variation 2081946 (VCV002081946.7), dbSNP rs200378582, ClinGen allele CA3580704.